The following is an entry in ClinVar:

ClinVar aggregate classification (germline): Uncertain significance (1 of 4 stars; one submission).

Conditions:
Neurofibromatosis, type 1 (NF1). Also called: Neurofibromatosis, type I; VON RECKLINGHAUSEN DISEASE; NEUROFIBROMATOSIS, TYPE I, SOMATIC; Peripheral type neurofibromatosis. Identifiers: Orphanet 636, MedGen C0027831, MONDO:0018975, OMIM 162200. Disease mechanism: loss of function.

Submission:

Labcorp Genetics (formerly Invitae), Labcorp
Classification: Uncertain significance for Neurofibromatosis, type 1. Last evaluated: 2021-11-12. Review status: criteria provided, single submitter. Criteria: Invitae Variant Classification Sherloc (09022015). Collection method: clinical testing. Allele origin: germline.
Comment: In summary, the available evidence is currently insufficient to determine the role of this variant in disease. Therefore, it has been classified as a Variant of Uncertain Significance. Algorithms developed to predict the effect of missense changes on protein structure and function are either unavailable or do not agree on the potential impact of this missense change (SIFT: "Tolerated"; PolyPhen-2: "Possibly Damaging"; Align-GVGD: "Class C0"). This variant has not been reported in the literature in individuals affected with NF1-related conditions. This variant is not present in population databases (gnomAD no frequency). This sequence change replaces cysteine, which is neutral and slightly polar, with arginine, which is basic and polar, at codon 1233 of the NF1 protein (p.Cys1233Arg).

NM_001042492.3(NF1):c.3697T>C (p.Cys1233Arg)

Gene: NF1 (neurofibromin 1; plus strand). Cytogenetic location: 17q11.2.
Variant type: single nucleotide variant.
Coding change: c.3697T>C on transcript NM_001042492.3 (MANE Select); coding-DNA position 3697, T replaced by C.
Protein change: p.Cys1233Arg; replaces cysteine 1233 with arginine.
Molecular consequence: missense variant.
Genome position (GRCh38, 1-based): chr17:31,233,202, T>C. VCF-style: chr17-31233202-T-C. GRCh37 (hg19) VCF-style: chr17-29560220-T-C.
Other names: c.3697T>C, p.Cys1233Arg (NM_000267.4); short protein forms C1233R.
Identifiers: ClinVar variation 1477653 (VCV001477653.6), dbSNP rs2151435803, ClinGen allele CA398990712.